The following is an entry in ClinVar:

ClinVar aggregate classification (germline): Likely benign. Review status: criteria provided, multiple submitters, no conflicts (2 of 4 stars). 2 submissions from 2 submitters: Likely benign (2). Last evaluated 2025-06-04.

Conditions:
Catecholaminergic polymorphic ventricular tachycardia 1. Also called: RYR2-Related Catecholaminergic Polymorphic Ventricular Tachycardia; VENTRICULAR TACHYCARDIA, CATECHOLAMINERGIC POLYMORPHIC, 1, WITH OR WITHOUT ATRIAL DYSFUNCTION AND/OR DILATED CARDIOMYOPATHY; VENTRICULAR TACHYCARDIA, STRESS-INDUCED POLYMORPHIC 1. Identifiers: Orphanet 3286, MedGen C1631597, MONDO:0011484, OMIM 604772.

Allele frequency attached by ClinVar (database versions not stated): gnomAD exomes 0.00001.
gnomAD v4.1: 4 of 1,610,764 alleles (0.00025%); highest among the groups gnomAD compares: Admixed American, 0.0017%; no homozygotes.

Submissions (2):

Mayo Clinic Laboratories, Mayo Clinic
Classification: Likely benign. Last evaluated: 2025-06-04. Review status: criteria provided, single submitter. Criteria: ACMG Guidelines, 2015. Collection method: clinical testing. Allele origin: germline. Observed: 1 variant allele.
Comment: BP4, BP7, PM2_supporting

Labcorp Genetics (formerly Invitae), Labcorp
Classification: Likely benign for Catecholaminergic polymorphic ventricular tachycardia 1. Last evaluated: 2023-12-06. Review status: criteria provided, single submitter. Criteria: Invitae Variant Classification Sherloc (09022015). Collection method: clinical testing. Allele origin: germline.

NM_001035.3(RYR2):c.14433+10T>A

Gene: RYR2 (ryanodine receptor 2; plus strand). Cytogenetic location: 1q43.
Variant type: single nucleotide variant.
Coding change: c.14433+10T>A on transcript NM_001035.3 (MANE Select); 10 bases into the intron after coding-DNA position 14433, T replaced by A.
Molecular consequence: intron variant.
Genome position (GRCh38, 1-based): chr1:237,809,045, T>A. VCF-style: chr1-237809045-T-A. GRCh37 (hg19) VCF-style: chr1-237972345-T-A.
Other names: p.?.
Identifiers: ClinVar variation 738483 (VCV000738483.13), dbSNP rs1174588915, ClinGen allele CA529567755.